The following is an entry in ClinVar:

NM_198123.2(CSMD3):c.9271T>C (p.Ser3091Pro)

Gene: CSMD3 (CUB and Sushi multiple domains 3; minus strand). Cytogenetic location: 8q23.3.
Variant type: single nucleotide variant.
Coding change: c.9271T>C on transcript NM_198123.2 (MANE Select); coding-DNA position 9271, T replaced by C.
Protein change: p.Ser3091Pro; replaces serine 3091 with proline.
Molecular consequence: missense variant.
Genome position (GRCh38, 1-based): chr8:112,287,124, A>G on the plus strand (T>C on the coding strand, the complement: CSMD3 is on the minus strand). VCF-style: chr8-112287124-A-G. GRCh37 (hg19) VCF-style: chr8-113299353-A-G.
Other names: c.8671T>C, p.Ser2891Pro (NM_001363185.1); c.8764T>C, p.Ser2922Pro (NM_052900.3); c.9151T>C, p.Ser3051Pro (NM_198124.2); short protein forms S2891P, S2922P, S3051P, S3091P.
Identifiers: ClinVar variation 3061006 (VCV003061006.2), dbSNP rs145027071, ClinGen allele CA4848740.

ClinVar aggregate classification (germline): Benign (0 of 4 stars; one submission).

Conditions:
CSMD3-related disorder. Also called: CSMD3-related condition.

Allele frequency attached by ClinVar (database versions not stated): ESP Exome Variant Server 0.00100; gnomAD exomes 0.00448; gnomAD 0.00889; ExAC 0.01466; TOPMed 0.01613; 1000 Genomes Project 0.01697; 1000 Genomes Project 30x 0.02092.
gnomAD v4.1: 7,915 of 1,613,740 alleles (0.49%); highest among the groups gnomAD compares: Admixed American, 12%; 516 homozygotes.

Submission:

PreventionGenetics, part of Exact Sciences
Classification: Benign for CSMD3-related condition. Last evaluated: 2019-06-14. Review status: no assertion criteria provided. Collection method: clinical testing. Allele origin: germline.
Comment: This variant is classified as benign based on ACMG/AMP sequence variant interpretation guidelines (Richards et al. 2015 PMID: 25741868, with internal and published modifications).